The following is an entry in ClinVar:

ClinVar aggregate classification (germline): Conflicting classifications of pathogenicity. Review status: criteria provided, conflicting classifications (1 of 4 stars). 10 submissions from 9 submitters: Uncertain significance (3); Benign (3); Likely benign (1). 3 of the submissions do not count toward it. Last evaluated 2026-07-01.

Conditions:
Mucolipidosis type II. Also called: Mucolipidosis II Alpha/Beta; Mucolipidosis 2; ML 2; Inclusion cell disease; Leroy Disease; N-acetylglucosamine 1phosphotransferase deficiency. Identifiers: Orphanet 576, MedGen C2673377, MONDO:0009650, OMIM 252500.
Pseudo-Hurler polydystrophy. Also called: MUCOLIPIDOSIS IIIA; ML III; ML III ALPHA/BETA; Type III Mucolipidosis; ML IIIA; Mucolipidosis III Alpha/Beta. Identifiers: Orphanet 423461, Orphanet 577, MedGen C0033788, MONDO:0018931, OMIM 252600.

Allele frequency attached by ClinVar (database versions not stated): ESP Exome Variant Server 0.00046; TOPMed 0.00055; gnomAD 0.00043 and 0.00102; gnomAD exomes 0.00314 and 0.00166; ExAC 0.00355; 1000 Genomes Project 0.00499; 1000 Genomes Project 30x 0.00453.
gnomAD v4.1: 2,586 of 1,613,188 alleles (0.16%); highest among the groups gnomAD compares: South Asian, 2%; 43 homozygotes.

Submissions (10):

CeGaT Center for Human Genetics Tuebingen
Classification: Benign. Last evaluated: 2026-07-01. Review status: criteria provided, single submitter. Criteria: CeGaT Center For Human Genetics Tuebingen Variant Classification Criteria Version 2. Collection method: clinical testing. Allele origin: germline. Affected: yes. Observed: 3 variant alleles.
Comment: GNPTAB: BS1, BS2

Labcorp Genetics (formerly Invitae), Labcorp
Classification: Benign for Pseudo-Hurler polydystrophy; Mucolipidosis type II. Last evaluated: 2026-01-28. Review status: criteria provided, single submitter. Criteria: Invitae Variant Classification Sherloc (09022015). Collection method: clinical testing. Allele origin: germline.

Genome-Nilou Lab
Classification: Uncertain significance for Mucolipidosis type II. Last evaluated: 2021-05-18. Review status: criteria provided, single submitter. Criteria: ACMG Guidelines, 2015. Collection method: clinical testing. Allele origin: germline. Affected: no.

Illumina Laboratory Services, Illumina
Classification: Uncertain significance for Pseudo-Hurler polydystrophy. Last evaluated: 2017-04-27. Review status: criteria provided, single submitter. Criteria: ICSL Variant Classification Criteria 13 December 2019. Collection method: clinical testing. Allele origin: germline.

Illumina Laboratory Services, Illumina
Classification: Uncertain significance for Mucolipidosis type II. Last evaluated: 2017-04-27. Review status: criteria provided, single submitter. Criteria: ICSL Variant Classification Criteria 13 December 2019. Collection method: clinical testing. Allele origin: germline.

Eurofins Ntd Llc (ga)
Classification: Benign. Last evaluated: 2013-05-24. Review status: criteria provided, single submitter. Criteria: EGL Classification Definitions 2015. Collection method: clinical testing. Allele origin: germline. Observed: 2 variant alleles, 2 heterozygotes.

Broad Center for Mendelian Genomics, Broad Institute of MIT and Harvard
Classification: Likely benign for Pseudo-Hurler polydystrophy. Review status: criteria provided, single submitter. Criteria: ACMG Guidelines, 2015. Collection method: research. Allele origin: germline. Affected: yes.
Comment: The heterozygous p.Gln1200Lys variant in GNPTAB has been identified in at least 10 individuals with stuttering but does not always segregate with disease (PMID: 20147709, 20944643), and has been identified in >2% of South Asian chromosomes and 10 homozygotes by ExAC. In summary, although additional studies are required to fully establish its clinical significance, this variant meets criteria to be classified as likely benign for stuttering.

Natera, Inc.
Classification: Benign for Mucolipidosis type II. Last evaluated: 2020-04-03. Review status: no assertion criteria provided. Collection method: clinical testing. Allele origin: germline. Not counted in ClinVar's aggregate classification.

Mayo Clinic Laboratories, Mayo Clinic
Classification: Benign. Last evaluated: 2017-04-25. Review status: no assertion criteria provided. Collection method: clinical testing. Allele origin: unknown. Not counted in ClinVar's aggregate classification.

SNPedia
No classification provided. Review status: no classification provided. Collection method: not provided. Allele origin: germline. Not counted in ClinVar's aggregate classification.

Literature cited by the submitters: PubMed 20147709 (cited by Broad Center for Mendelian Genomics, Broad Institute of MIT and Harvard); PubMed 20944643 (cited by Broad Center for Mendelian Genomics, Broad Institute of MIT and Harvard).

NM_024312.5(GNPTAB):c.3598G>A (p.Glu1200Lys)

Gene: GNPTAB (N-acetylglucosamine-1-phosphate transferase subunits alpha and beta; minus strand). Cytogenetic location: 12q23.2.
Variant type: single nucleotide variant.
Coding change: c.3598G>A on transcript NM_024312.5 (MANE Select); coding-DNA position 3598, G replaced by A.
Protein change: p.Glu1200Lys; replaces glutamic acid 1200 with lysine.
Molecular consequence: missense variant.
Genome position (GRCh38, 1-based): chr12:101,753,376, C>T on the plus strand (G>A on the coding strand, the complement: GNPTAB is on the minus strand). VCF-style: chr12-101753376-C-T. GRCh37 (hg19) VCF-style: chr12-102147154-C-T.
Other names: short protein forms E1200K.
Identifiers: ClinVar variation 68107 (VCV000068107.44), dbSNP rs137853825, ClinGen allele CA149257.
Genomic context (GRCh38, chr12:101,753,376, plus strand): 5'-CATATGCATGTATACACTCACCCACACACATGCATATATAAAACATGAGAATTTACCATT[C>T]CTGCAGCTCATGCATATGAAGGAAACGGTTTCGATACTCTCTTGGCAGTTCAAATTGGGA-3'
Protein context (NP_077288.2, residues 1190-1210): NRFLHMHELQ[Glu1200Lys]WRAYRDKLKF